The following is an entry in ClinVar:

NM_001379500.1(COL18A1):c.3337G>C (p.Ala1113Pro)

Genes: COL18A1 (collagen type XVIII alpha 1 chain; plus strand), SLC19A1 (solute carrier family 19 member 1; minus strand). Cytogenetic location: 21q22.3.
Variant type: single nucleotide variant.
Coding change: c.3337G>C on transcript NM_001379500.1 (MANE Select); coding-DNA position 3337, G replaced by C.
Protein change: p.Ala1113Pro; replaces alanine 1113 with proline.
Molecular consequence: missense variant.
Genome position (GRCh38, 1-based): chr21:45,509,443, G>C. VCF-style: chr21-45509443-G-C. GRCh37 (hg19) VCF-style: chr21-46929357-G-C.
Other names: c.3868G>C, p.Ala1290Pro (NM_030582.4); c.4573G>C, p.Ala1525Pro (NM_130444.3); short protein forms A1290P, A1113P, A1525P.
Identifiers: ClinVar variation 1492335 (VCV001492335.4), dbSNP rs746120970, ClinGen allele CA321923422.
Genomic context (GRCh38, chr21:45,509,443, plus strand): 5'-CCCGTGGTGCAGCTGCACGACAGCAACCCCTACCCGCGGCGGGAGCACCCCCACCCCACC[G>C]CGCGGCCCTGGCGGGCAGATGACATCCTGGCCAGCCCCCCTCGCCTGCCCGAGCCCCAGC-3'
Protein context (NP_001366429.1, residues 1103-1123): YPRREHPHPT[Ala1113Pro]RPWRADDILA

ClinVar aggregate classification (germline): Uncertain significance. Review status: criteria provided, multiple submitters, no conflicts (2 of 4 stars). 2 submissions from 2 submitters: Uncertain significance (2). Last evaluated 2022-09-07.

gnomAD v4.1: 60 of 1,532,768 alleles (0.0039%); highest among the groups gnomAD compares: Non-Finnish European, 0.0049%; no homozygotes.

Submissions (2):

Blueprint Genetics
Classification: Uncertain significance. Last evaluated: 2022-09-07. Review status: criteria provided, single submitter. Criteria: ACMG Guidelines, 2015. Collection method: clinical testing. Allele origin: germline.

Labcorp Genetics (formerly Invitae), Labcorp
Classification: Uncertain significance. Last evaluated: 2022-08-10. Review status: criteria provided, single submitter. Criteria: Invitae Variant Classification Sherloc (09022015). Collection method: clinical testing. Allele origin: germline.
Comment: This sequence change replaces alanine, which is neutral and non-polar, with proline, which is neutral and non-polar, at codon 1110 of the COL18A1 protein (p.Ala1110Pro). This variant is present in population databases (no rsID available, gnomAD 0.006%). This variant has not been reported in the literature in individuals affected with COL18A1-related conditions. ClinVar contains an entry for this variant (Variation ID: 1492335). Experimental studies and prediction algorithms are not available or were not evaluated, and the functional significance of this variant is currently unknown. In summary, the available evidence is currently insufficient to determine the role of this variant in disease. Therefore, it has been classified as a Variant of Uncertain Significance.